The following is an entry in ClinVar:

NM_002968.3(SALL1):c.3322G>C (p.Val1108Leu)

Gene: SALL1 (spalt like transcription factor 1; minus strand). Cytogenetic location: 16q12.1.
Variant type: single nucleotide variant.
Coding change: c.3322G>C on transcript NM_002968.3 (MANE Select); coding-DNA position 3322, G replaced by C.
Protein change: p.Val1108Leu; replaces valine 1108 with leucine.
Molecular consequence: missense variant.
Genome position (GRCh38, 1-based): chr16:51,138,900, C>G on the plus strand (G>C on the coding strand, the complement: SALL1 is on the minus strand). VCF-style: chr16-51138900-C-G. GRCh37 (hg19) VCF-style: chr16-51172811-C-G.
Other names: c.3031G>C, p.Val1011Leu (NM_001127892.2); short protein forms V1011L, V1108L.
Identifiers: ClinVar variation 1183453 (VCV001183453.13), dbSNP rs148931484, ClinGen allele CA8052951.

ClinVar aggregate classification (germline): Conflicting classifications of pathogenicity. Review status: criteria provided, conflicting classifications (1 of 4 stars). 5 submissions from 5 submitters: Uncertain significance (1); Benign (1); Likely benign (2). 1 of the submissions does not count toward it. Last evaluated 2025-08-31.

Conditions:
SALL1-related disorder. Also called: SALL1-related condition.
Inborn genetic diseases. Identifiers: MedGen C0950123, MeSH D030342.
Townes syndrome (TBS). Also called: Townes-Brocks syndrome. Identifiers: Orphanet 857, MedGen C0265246, MeSH C536974, MONDO:0007142.

Allele frequency attached by ClinVar (database versions not stated): 1000 Genomes Project 0.00020; ESP Exome Variant Server 0.00031; 1000 Genomes Project 30x 0.00047.
gnomAD v4.1: 85 of 1,614,132 alleles (0.0053%); highest among the groups gnomAD compares: African/African-American, 0.1%; no homozygotes.

Submissions (5):

Ambry Genetics
Classification: Uncertain significance for Inborn genetic diseases. Last evaluated: 2025-08-31. Review status: criteria provided, single submitter. Criteria: Ambry Variant Classification Scheme 2023. Collection method: clinical testing. Allele origin: germline.

Labcorp Genetics (formerly Invitae), Labcorp
Classification: Likely benign for Townes syndrome. Last evaluated: 2025-06-12. Review status: criteria provided, single submitter. Criteria: Invitae Variant Classification Sherloc (09022015). Collection method: clinical testing. Allele origin: germline.

Blueprint Genetics
Classification: Likely benign. Last evaluated: 2024-11-25. Review status: criteria provided, single submitter. Criteria: ACMG Guidelines, 2015. Collection method: clinical testing. Allele origin: germline.

GeneDx
Classification: Benign. Last evaluated: 2019-09-13. Review status: criteria provided, single submitter. Criteria: GeneDx Variant Classification Process June 2021. Collection method: clinical testing. Allele origin: germline. Affected: yes.

PreventionGenetics, part of Exact Sciences
Classification: Likely benign for SALL1-related condition. Last evaluated: 2022-12-12. Review status: no assertion criteria provided. Collection method: clinical testing. Allele origin: germline. Not counted in ClinVar's aggregate classification.
Comment: This variant is classified as likely benign based on ACMG/AMP sequence variant interpretation guidelines (Richards et al. 2015 PMID: 25741868, with internal and published modifications).